The following is an entry in ClinVar:

NM_005591.4(MRE11):c.1225+577A>C

Gene: MRE11 (MRE11 double strand break repair nuclease; minus strand). Cytogenetic location: 11q21.
Variant type: single nucleotide variant.
Coding change: c.1225+577A>C on transcript NM_005591.4 (MANE Select); 577 bases into the intron after coding-DNA position 1225, A replaced by C.
Molecular consequence: intron variant.
Genome position (GRCh38, 1-based): chr11:94,463,536, T>G on the plus strand (A>C on the coding strand, the complement: MRE11 is on the minus strand). VCF-style: chr11-94463536-T-G. GRCh37 (hg19) VCF-style: chr11-94196702-T-G.
Other names: c.1225+577A>C (NM_001330347.2, NM_005590.4).
Identifiers: ClinVar variation 60652 (VCV000060652.1), dbSNP rs397509354, ClinGen allele CA144593.

ClinVar aggregate classification (germline): other (0 of 4 stars; one submission).

Conditions:
Malignant tumor of urinary bladder. Also called: Urinary bladder cancer; Urinary Bladder Neoplasms; Bladder cancer. Identifiers: MedGen C0005684, MONDO:0001187, OMIM 109800.

Allele frequency attached by ClinVar (database versions not stated): 1000 Genomes Project 0.00379; 1000 Genomes Project 30x 0.00484; TOPMed 0.00707; gnomAD 0.00768 and 0.00779.
gnomAD v4.1: 1,157 of 152,158 alleles (0.76%); highest among the groups gnomAD compares: Non-Finnish European, 1.3%; 6 homozygotes.

Submission:

Gray Institute for Radiation Oncology & Biology, University of Oxford
Classification: other. Review status: no assertion criteria provided. Collection method: not provided. Allele origin: germline.
Comment: Detected by next-generation sequencing & confirmed by Sanger sequencing